The following is an entry in ClinVar:

ClinVar aggregate classification (germline): Conflicting classifications of pathogenicity. Review status: criteria provided, conflicting classifications (1 of 4 stars). 4 submissions from 4 submitters: Uncertain significance (3); Likely benign (1). Last evaluated 2026-02-02.

Conditions:
Hereditary cancer-predisposing syndrome. Also called: Tumor predisposition; Hereditary Cancer Syndrome; Hereditary neoplastic syndrome; Neoplastic Syndromes, Hereditary. Identifiers: Orphanet 140162, MedGen C0027672, MeSH D009386, MONDO:0015356.
POLD1-related polyposis and colorectal cancer syndrome (CRCS10). Also called: Colorectal cancer 10; COLORECTAL CANCER, SUSCEPTIBILITY TO, ON CHROMOSOME 19q; Colorectal cancer, susceptibility to, 10. Identifiers: Orphanet 220460, MedGen C2675481, MONDO:0012953, OMIM 612591.

Allele frequency attached by ClinVar (database versions not stated): gnomAD 0.00001; gnomAD exomes 0.00001 and 0.00002; TOPMed 0.00002; ExAC 0.00005.
gnomAD v4.1: 10 of 1,581,980 alleles (0.00063%); highest among the groups gnomAD compares: Admixed American, 0.0037%; no homozygotes.

Submissions (4):

Labcorp Genetics (formerly Invitae), Labcorp
Classification: Uncertain significance for POLD1-related polyposis and colorectal cancer syndrome. Last evaluated: 2026-02-02. Review status: criteria provided, single submitter. Criteria: Invitae Variant Classification Sherloc (09022015). Collection method: clinical testing. Allele origin: germline.
Comment: This sequence change replaces valine, which is neutral and non-polar, with methionine, which is neutral and non-polar, at codon 290 of the POLD1 protein (p.Val290Met). This variant is present in population databases (rs748657880, gnomAD 0.009%). This variant has not been reported in the literature in individuals affected with POLD1-related conditions. ClinVar contains an entry for this variant (Variation ID: 505437). Invitae Evidence Modeling of protein sequence and biophysical properties (such as structural, functional, and spatial information, amino acid conservation, physicochemical variation, residue mobility, and thermodynamic stability) indicates that this missense variant is not expected to disrupt POLD1 protein function with a negative predictive value of 80%. In summary, the available evidence is currently insufficient to determine the role of this variant in disease. Therefore, it has been classified as a Variant of Uncertain Significance.

Ambry Genetics
Classification: Likely benign for Hereditary cancer-predisposing syndrome. Last evaluated: 2024-12-29. Review status: criteria provided, single submitter. Criteria: Ambry Variant Classification Scheme 2023. Collection method: clinical testing. Allele origin: germline.

GeneDx
Classification: Uncertain significance. Last evaluated: 2019-11-26. Review status: criteria provided, single submitter. Criteria: GeneDx Variant Classification Process June 2021. Collection method: clinical testing. Allele origin: germline. Affected: yes.
Comment: In silico analysis, which includes protein predictors and evolutionary conservation, supports a deleterious effect Has not been previously published as pathogenic or benign to our knowledge Observed in 0.0025% (5/201364) alleles in large population cohorts (Lek 2016)

Laboratory for Molecular Medicine, Mass General Brigham Personalized Medicine
Classification: Uncertain significance. Last evaluated: 2016-11-23. Review status: criteria provided, single submitter. Criteria: LMM Criteria. Collection method: clinical testing. Allele origin: germline. Observed: 1 variant allele.
Comment: The p.Val290Met variant in POLD1 has not been previously reported in individuals with colorectal cancer but has been identified in 1/4142 of African chromosomes by the Exome Aggregation Consortium (ExAC; dbSN P rs748657880). Computational prediction tools and conservation analysis do not provide strong support for or against an impact to the protein. In summary, the clinical significance of the p.Val290Met variant is uncertain.

NM_002691.4(POLD1):c.868G>A (p.Val290Met)

Gene: POLD1 (DNA polymerase delta 1, catalytic subunit; plus strand). Cytogenetic location: 19q13.33.
Variant type: single nucleotide variant.
Coding change: c.868G>A on transcript NM_002691.4 (MANE Select); coding-DNA position 868, G replaced by A.
Protein change: p.Val290Met; replaces valine 290 with methionine.
Molecular consequence: missense variant. On other transcripts: non-coding transcript variant (1).
Genome position (GRCh38, 1-based): chr19:50,402,639, G>A. VCF-style: chr19-50402639-G-A. GRCh37 (hg19) VCF-style: chr19-50905896-G-A.
Other names: c.868G>A, p.Val290Met (NM_001256849.1, NM_001308632.1); c.868G>A (NM_002691.2); short protein forms V290M.
Identifiers: ClinVar variation 505437 (VCV000505437.16), dbSNP rs748657880, ClinGen allele CA9595938.